The following is an entry in ClinVar:

ClinVar aggregate classification (germline): Uncertain significance (1 of 4 stars; one submission).

Conditions:
Primary immunodeficiency with post-measles-mumps-rubella vaccine viral infection. Also called: Immunodeficiency 44. Identifiers: Orphanet 431166, MedGen C4225260, MONDO:0014715, OMIM 616636.

Submission:

Labcorp Genetics (formerly Invitae), Labcorp
Classification: Uncertain significance for Primary immunodeficiency with post-measles-mumps-rubella vaccine viral infection. Last evaluated: 2020-10-03. Review status: criteria provided, single submitter. Criteria: Invitae Variant Classification Sherloc (09022015). Collection method: clinical testing. Allele origin: germline.
Comment: This sequence change replaces threonine with isoleucine at codon 263 of the STAT2 protein (p.Thr263Ile). The threonine residue is moderately conserved and there is a moderate physicochemical difference between threonine and isoleucine. This variant is not present in population databases (ExAC no frequency). This variant has not been reported in the literature in individuals with STAT2-related conditions. Advanced modeling of protein sequence and biophysical properties (such as structural, functional, and spatial information, amino acid conservation, physicochemical variation, residue mobility, and thermodynamic stability) performed at Invitae indicates that this missense variant is expected to disrupt STAT2 protein function. In summary, the available evidence is currently insufficient to determine the role of this variant in disease. Therefore, it has been classified as a Variant of Uncertain Significance.

NM_005419.4(STAT2):c.788C>T (p.Thr263Ile)

Gene: STAT2 (signal transducer and activator of transcription 2; minus strand). Cytogenetic location: 12q13.3.
Variant type: single nucleotide variant.
Coding change: c.788C>T on transcript NM_005419.4 (MANE Select); coding-DNA position 788, C replaced by T.
Protein change: p.Thr263Ile; replaces threonine 263 with isoleucine.
Molecular consequence: missense variant.
Genome position (GRCh38, 1-based): chr12:56,351,445, G>A on the plus strand (C>T on the coding strand, the complement: STAT2 is on the minus strand). VCF-style: chr12-56351445-G-A. GRCh37 (hg19) VCF-style: chr12-56745229-G-A.
Other names: c.776C>T, p.Thr259Ile (NM_001385110.1, NM_001385115.1, NM_198332.2); c.788C>T, p.Thr263Ile (NM_001385111.1, NM_001385113.1, NM_001385114.1); short protein forms T259I, T263I.
Identifiers: ClinVar variation 1007121 (VCV001007121.8), dbSNP rs1878461729, ClinGen allele CA385262491.